The following is an entry in ClinVar:

NM_020975.6(RET):c.2699A>C (p.Tyr900Ser)

Gene: RET (ret proto-oncogene; plus strand). Cytogenetic location: 10q11.21.
Variant type: single nucleotide variant.
Coding change: c.2699A>C on transcript NM_020975.6 (MANE Select); coding-DNA position 2699, A replaced by C.
Protein change: p.Tyr900Ser; replaces tyrosine 900 with serine.
Molecular consequence: missense variant.
Genome position (GRCh38, 1-based): chr10:43,120,172, A>C. VCF-style: chr10-43120172-A-C. GRCh37 (hg19) VCF-style: chr10-43615620-A-C.
Other names: c.2699A>C, p.Tyr900Ser (NM_000323.2, NM_001406743.1, NM_001406744.1 and 4 more transcripts); c.1937A>C, p.Tyr646Ser (NM_001355216.2); c.2570A>C, p.Tyr857Ser (NM_001406761.1, NM_001406762.1, NM_001406764.1); c.2564A>C, p.Tyr855Ser (NM_001406763.1, NM_001406765.1); c.2174A>C, p.Tyr725Ser (NM_001406774.1); c.1973A>C, p.Tyr658Ser (NM_001406775.1, NM_001406776.1, NM_001406777.1 and 1 more transcripts); c.1802A>C, p.Tyr601Ser (NM_001406779.1, NM_001406780.1, NM_001406781.1 and 1 more transcripts); c.1250A>C, p.Tyr417Ser (NM_001406793.1, NM_001406794.1, NM_001406792.1); and 10 more; short protein forms Y505S, Y570S, Y646S, Y658S, Y725S, Y465S, Y855S, Y417S.
Identifiers: ClinVar variation 3008967 (VCV003008967.3), dbSNP rs2538579032, ClinGen allele CA376557250.

ClinVar aggregate classification (germline): Uncertain significance (1 of 4 stars; one submission).

Conditions:
Multiple endocrine neoplasia, type 2 (MEN2). Identifiers: Orphanet 653, MedGen C4048306, MONDO:0019003. Disease mechanism: gain of function.

Submission:

Labcorp Genetics (formerly Invitae), Labcorp
Classification: Uncertain significance for Multiple endocrine neoplasia, type 2. Last evaluated: 2022-12-29. Review status: criteria provided, single submitter. Criteria: Invitae Variant Classification Sherloc (09022015). Collection method: clinical testing. Allele origin: germline.
Comment: This sequence change replaces tyrosine, which is neutral and polar, with serine, which is neutral and polar, at codon 900 of the RET protein (p.Tyr900Ser). This variant is not present in population databases (gnomAD no frequency). This variant has not been reported in the literature in individuals affected with RET-related conditions. Algorithms developed to predict the effect of missense changes on protein structure and function are either unavailable or do not agree on the potential impact of this missense change (SIFT: "Deleterious"; PolyPhen-2: "Possibly Damaging"; Align-GVGD: "Class C0"). In summary, the available evidence is currently insufficient to determine the role of this variant in disease. Therefore, it has been classified as a Variant of Uncertain Significance.